The following is an entry in ClinVar:

ClinVar aggregate classification (germline): Uncertain significance. Review status: criteria provided, multiple submitters, no conflicts (2 of 4 stars). 3 submissions from 3 submitters: Uncertain significance (3). Last evaluated 2025-10-17.

Conditions:
Polyps, multiple and recurrent inflammatory fibroid, gastrointestinal. Identifiers: MedGen C5193005, MONDO:0008285, OMIM 175510.
Hereditary cancer-predisposing syndrome. Also called: Hereditary Cancer Syndrome; Hereditary neoplastic syndrome; Neoplastic Syndromes, Hereditary; Tumor predisposition. Identifiers: Orphanet 140162, MedGen C0027672, MeSH D009386, MONDO:0015356.
Gastrointestinal stromal tumor. Also called: Gastrointestinal stromal tumor, somatic; Gastrointestinal stroma tumor. Identifiers: Orphanet 44890, MedGen C0238198, MeSH D046152, MONDO:0011719, OMIM 606764, HP:0100723.

Allele frequency attached by ClinVar (database versions not stated): gnomAD exomes below 0.00001.
gnomAD v4.1: 1 of 1,614,122 alleles (0.000062%); highest among the groups gnomAD compares: South Asian, 0.0011%; no homozygotes.

Submissions (3):

Labcorp Genetics (formerly Invitae), Labcorp
Classification: Uncertain significance for Gastrointestinal stromal tumor. Last evaluated: 2025-10-17. Review status: criteria provided, single submitter. Criteria: Invitae Variant Classification Sherloc (09022015). Collection method: clinical testing. Allele origin: germline.
Comment: This sequence change replaces serine, which is neutral and polar, with cysteine, which is neutral and slightly polar, at codon 1055 of the PDGFRA protein (p.Ser1055Cys). This variant is not present in population databases (gnomAD no frequency). This variant has not been reported in the literature in individuals affected with PDGFRA-related conditions. ClinVar contains an entry for this variant (Variation ID: 2453866). Invitae Evidence Modeling of protein sequence and biophysical properties (such as structural, functional, and spatial information, amino acid conservation, physicochemical variation, residue mobility, and thermodynamic stability) has been performed for this missense variant. However, the output from this modeling did not meet the statistical confidence thresholds required to predict the impact of this variant on PDGFRA protein function. In summary, the available evidence is currently insufficient to determine the role of this variant in disease. Therefore, it has been classified as a Variant of Uncertain Significance.

Ambry Genetics
Classification: Uncertain significance for Hereditary cancer-predisposing syndrome. Last evaluated: 2025-07-12. Review status: criteria provided, single submitter. Criteria: Ambry Variant Classification Scheme 2023. Collection method: clinical testing. Allele origin: germline.
Comment: The p.S1055C variant (also known as c.3163A>T), located in coding exon 22 of the PDGFRA gene, results from an A to T substitution at nucleotide position 3163. The serine at codon 1055 is replaced by cysteine, an amino acid with dissimilar properties. This amino acid position is conserved. In addition, the in silico prediction for this alteration is inconclusive. Since supporting evidence is limited at this time, the clinical significance of this alteration remains unclear.

Baylor Genetics
Classification: Uncertain significance for Polyps, multiple and recurrent inflammatory fibroid, gastrointestinal. Last evaluated: 2023-12-19. Review status: criteria provided, single submitter. Criteria: ACMG Guidelines, 2015. Collection method: clinical testing. Allele origin: unknown.

NM_006206.6(PDGFRA):c.3163A>T (p.Ser1055Cys)

Gene: PDGFRA (platelet derived growth factor receptor alpha; plus strand). Cytogenetic location: 4q12.
Variant type: single nucleotide variant.
Coding change: c.3163A>T on transcript NM_006206.6 (MANE Select); coding-DNA position 3163, A replaced by T.
Protein change: p.Ser1055Cys; replaces serine 1055 with cysteine.
Molecular consequence: missense variant.
Genome position (GRCh38, 1-based): chr4:54,295,165, A>T. VCF-style: chr4-54295165-A-T. GRCh37 (hg19) VCF-style: chr4-55161332-A-T.
Other names: c.3238A>T, p.Ser1080Cys (NM_001347828.2); c.3163A>T, p.Ser1055Cys (NM_001347829.2); c.3202A>T, p.Ser1068Cys (NM_001347830.2); short protein forms S1068C, S1080C, S1055C.
Identifiers: ClinVar variation 2453866 (VCV002453866.5), dbSNP rs2475578752, ClinGen allele CA356896528.